The following is an entry in ClinVar:

ClinVar aggregate classification (germline): Pathogenic (1 of 4 stars; one submission).

Conditions:
Familial cancer of breast. Also called: BREAST CANCER, FAMILIAL; hereditary breast carcinoma; Hereditary breast cancer. Identifiers: Orphanet 227535, MedGen C0346153, MONDO:0016419, OMIM 114480. Disease mechanism: loss of function.

Submission:

Myriad Genetics, Inc.
Classification: Pathogenic for Familial cancer of breast. Last evaluated: 2023-05-19. Review status: criteria provided, single submitter. Criteria: Myriad Autosomal Dominant, Autosomal Recessive and X-Linked Classification Criteria (2023). Collection method: clinical testing. Allele origin: unknown.
Comment: This variant is considered pathogenic. This variant creates a frameshift predicted to result in premature protein truncation.

NM_000465.4(BARD1):c.853dup (p.Gln285fs)

Gene: BARD1 (BRCA1 associated RING domain 1; minus strand). Cytogenetic location: 2q35.
Variant type: Duplication.
Coding change: c.853dup on transcript NM_000465.4 (MANE Select); coding-DNA position 853, one base duplicated (C; older notation c.853dupC).
Protein change: p.Gln285fs; shifts the reading frame from glutamine 285.
Molecular consequence: frameshift variant. On other transcripts: non-coding transcript variant (2), intron variant (3).
Genome position (GRCh38, 1-based): chr2:214,781,021, G duplicated on the plus strand (C on the coding strand, the reverse complement: BARD1 is on the minus strand). VCF-style (leftmost placement, unchanged base first): chr2-214781020-T-TG. GRCh37 (hg19) VCF-style: chr2-215645744-T-TG.
Other names: c.796dup, p.Gln266fs (NM_001282543.2); c.158+28391dup (NM_001282548.2); c.215+16040dup (NM_001282545.2); c.364+11276dup (NM_001282549.2); short protein forms Q266fs, Q285fs.
Identifiers: ClinVar variation 2583760 (VCV002583760.2), dbSNP rs2469507501, ClinGen allele CA2582342118.